The following is an entry in ClinVar:

NM_015631.6(TCTN3):c.61C>T (p.Arg21Trp)

Genes: TCTN3 (tectonic family member 3; minus strand), LOC130004408 (ATAC-STARR-seq lymphoblastoid active region 3801; plus strand). Cytogenetic location: 10q24.1.
Variant type: single nucleotide variant.
Coding change: c.61C>T on transcript NM_015631.6 (MANE Select); coding-DNA position 61, C replaced by T.
Protein change: p.Arg21Trp; replaces arginine 21 with tryptophan.
Molecular consequence: missense variant.
Genome position (GRCh38, 1-based): chr10:95,693,839, G>A on the plus strand (C>T on the coding strand, the complement: TCTN3 is on the minus strand). VCF-style: chr10-95693839-G-A. GRCh37 (hg19) VCF-style: chr10-97453596-G-A.
Other names: c.115C>T, p.Arg39Trp (NM_001013840.1); c.61C>T, p.Arg21Trp (NM_001143973.2, NM_001410982.1); short protein forms R39W, R21W.
Identifiers: ClinVar variation 2110802 (VCV002110802.4), dbSNP rs2097956260, ClinGen allele CA377714210.

ClinVar aggregate classification (germline): Uncertain significance (1 of 4 stars; one submission).

Conditions:
Joubert syndrome 18 (JBTS18). Identifiers: Orphanet 2754, MedGen C3553758, MONDO:0013896, OMIM 614815.
Orofacial-digital syndrome IV (OFD4). Also called: BARAITSER-BURN SYNDROME; OFD SYNDROME WITH TIBIAL DEFECTS; OFD SYNDROME, BARAITSER-BURN TYPE; OFDS IV; ORAL-FACIAL-DIGITAL SYNDROME, TYPE IV; Orofaciodigital syndrome IV. Identifiers: Orphanet 2753, MedGen C0406727, MONDO:0009794, OMIM 258860.

Allele frequency attached by ClinVar (database versions not stated): gnomAD 0.00001; gnomAD exomes 0.00001.

Submission:

Labcorp Genetics (formerly Invitae), Labcorp
Classification: Uncertain significance for Joubert syndrome 18; Orofacial-digital syndrome IV. Last evaluated: 2022-06-09. Review status: criteria provided, single submitter. Criteria: Invitae Variant Classification Sherloc (09022015). Collection method: clinical testing. Allele origin: germline.
Comment: In summary, the available evidence is currently insufficient to determine the role of this variant in disease. Therefore, it has been classified as a Variant of Uncertain Significance. Algorithms developed to predict the effect of missense changes on protein structure and function output the following: SIFT: "Tolerated"; PolyPhen-2: "Benign"; Align-GVGD: "Class C0". The tryptophan amino acid residue is found in multiple mammalian species, which suggests that this missense change does not adversely affect protein function. This variant has not been reported in the literature in individuals affected with TCTN3-related conditions. This variant is not present in population databases (gnomAD no frequency). This sequence change replaces arginine, which is basic and polar, with tryptophan, which is neutral and slightly polar, at codon 21 of the TCTN3 protein (p.Arg21Trp).